The following is an entry in ClinVar:

NM_004260.4(RECQL4):c.1040G>C (p.Arg347Pro)

Gene: RECQL4 (RecQ like helicase 4; minus strand). Cytogenetic location: 8q24.3.
Variant type: single nucleotide variant.
Coding change: c.1040G>C on transcript NM_004260.4 (MANE Select); coding-DNA position 1040, G replaced by C.
Protein change: p.Arg347Pro; replaces arginine 347 with proline.
Molecular consequence: missense variant.
Genome position (GRCh38, 1-based): chr8:144,516,079, C>G on the plus strand (G>C on the coding strand, the complement: RECQL4 is on the minus strand). VCF-style: chr8-144516079-C-G. GRCh37 (hg19) VCF-style: chr8-145741463-C-G.
Other names: c.1040G>C, p.Arg347Pro (NM_001413018.1, NM_001413019.1, NM_001413033.1 and 2 more transcripts); c.-32G>C (NM_001413021.1, NM_001413022.1, NM_001413023.1 and 7 more transcripts); c.911G>C, p.Arg304Pro (NM_001413025.1); c.-94G>C (NM_001413027.1, NM_001413030.1, NM_001413031.1 and 2 more transcripts); c.689G>C, p.Arg230Pro (NM_001413029.1); c.-301G>C (NM_001413043.1); c.1040G>C (NM_004260.3); short protein forms R347P, R304P, R230P.
Identifiers: ClinVar variation 1951946 (VCV001951946.6), dbSNP rs757988816, ClinGen allele CA372688241.

ClinVar aggregate classification (germline): Uncertain significance. Review status: criteria provided, multiple submitters, no conflicts (2 of 4 stars). 2 submissions from 2 submitters: Uncertain significance (2). Last evaluated 2025-09-17.

Conditions:
Baller-Gerold syndrome (BGS). Also called: CRANIOSYNOSTOSIS WITH RADIAL DEFECTS. Identifiers: Orphanet 1225, MedGen C0265308, MONDO:0009039, OMIM 218600.
Inborn genetic diseases. Identifiers: MedGen C0950123, MeSH D030342.

Submissions (2):

Ambry Genetics
Classification: Uncertain significance for Inborn genetic diseases. Last evaluated: 2025-09-17. Review status: criteria provided, single submitter. Criteria: Ambry Variant Classification Scheme 2023. Collection method: clinical testing. Allele origin: germline.
Comment: The p.R347P variant (also known as c.1040G>C), located in coding exon 5 of the RECQL4 gene, results from a G to C substitution at nucleotide position 1040. The arginine at codon 347 is replaced by proline, an amino acid with dissimilar properties. This amino acid position is conserved. In addition, this alteration is predicted to be tolerated by in silico analysis. Based on the available evidence, the clinical significance of this variant remains unclear.

Labcorp Genetics (formerly Invitae), Labcorp
Classification: Uncertain significance for Baller-Gerold syndrome. Last evaluated: 2022-10-01. Review status: criteria provided, single submitter. Criteria: Invitae Variant Classification Sherloc (09022015). Collection method: clinical testing. Allele origin: germline.
Comment: In summary, the available evidence is currently insufficient to determine the role of this variant in disease. Therefore, it has been classified as a Variant of Uncertain Significance. Algorithms developed to predict the effect of sequence changes on RNA splicing suggest that this variant may create or strengthen a splice site. This variant has not been reported in the literature in individuals affected with RECQL4-related conditions. This variant is not present in population databases (gnomAD no frequency). This sequence change replaces arginine, which is basic and polar, with proline, which is neutral and non-polar, at codon 347 of the RECQL4 protein (p.Arg347Pro).